The following is an entry in ClinVar:

NM_000483.5(APOC2):c.274C>T (p.Gln92Ter)

Genes: APOC2 (apolipoprotein C2; plus strand), APOC4-APOC2 (APOC4-APOC2 readthrough (NMD candidate); plus strand). Cytogenetic location: 19q13.32.
Variant type: single nucleotide variant.
Coding change: c.274C>T on transcript NM_000483.5 (MANE Select); coding-DNA position 274, C replaced by T.
Protein change: p.Gln92Ter; replaces glutamine 92 with a stop codon.
Molecular consequence: nonsense. On other transcripts: non-coding transcript variant (1).
Genome position (GRCh38, 1-based): chr19:44,949,217, C>T. VCF-style: chr19-44949217-C-T. GRCh37 (hg19) VCF-style: chr19-45452474-C-T.
Other names: c.274C>T (NM_000483.4); short protein forms Q92*.
Identifiers: ClinVar variation 1685529 (VCV001685529.4), dbSNP rs199563828, ClinGen allele CA9506649.

ClinVar aggregate classification (germline): Pathogenic/Likely pathogenic. Review status: criteria provided, multiple submitters, no conflicts (2 of 4 stars). 3 submissions from 3 submitters: Pathogenic (2); Likely pathogenic (1). Last evaluated 2025-08-06.

Conditions:
Familial apolipoprotein C-II deficiency. Also called: HYPERLIPOPROTEINEMIA, TYPE IB; APOC2 DEFICIENCY; C-II ANAPOLIPOPROTEINEMIA. Identifiers: Orphanet 309020, Orphanet 444490, MedGen C1720779, MONDO:0008810, OMIM 207750.
Cardiovascular phenotype. Identifiers: MedGen CN230736.

Allele frequency attached by ClinVar (database versions not stated): TOPMed below 0.00001; ExAC 0.00001; gnomAD 0.00001; gnomAD exomes 0.00001; ESP Exome Variant Server 0.00008.

Submissions (3):

Ambry Genetics
Classification: Likely pathogenic for Cardiovascular phenotype. Last evaluated: 2025-08-06. Review status: criteria provided, single submitter. Criteria: Ambry Variant Classification Scheme 2023. Collection method: clinical testing. Allele origin: germline.
Comment: The p.Q92* variant (also known as c.274C>T), located in coding exon 3 of the APOC2 gene, results from a C to T substitution at nucleotide position 274. This changes the amino acid from a glutamine to a stop codon within coding exon 3. This alteration has been reported as homozygous in subjects with features of chylomicronemia syndrome (D'Erasmo L et al. Arterioscler Thromb Vasc Biol, 2019 Dec;39:2531-2541; Cefal&ugrave; AB et al. Atherosclerosis, 2022 Oct;359:13-19). This alteration has also been reported in dyslipidemia cohorts (Le R et al. J Investig Med High Impact Case Rep, 2019;7:2324709619877050; Dron JS et al. BMC Med Genomics, 2020 Feb;13:23). This variant is considered to be rare based on population cohorts in the Genome Aggregation Database (gnomAD). This alteration occurs at the 3' terminus of theAPOC2 gene, is not expected to trigger nonsense-mediated mRNA decay, and only impacts the last 10% of the protein. However, premature stop codons are typically deleterious in nature and a significant portion of the protein is affected (Ambry internal data). Based on the majority of available evidence to date, this variant is likely to be pathogenic.

Mendelics
Classification: Pathogenic for Familial apolipoprotein C-II deficiency. Last evaluated: 2022-05-04. Review status: criteria provided, single submitter. Criteria: Mendelics Assertion Criteria 2019. Collection method: clinical testing. Allele origin: germline.

Fulgent Genetics
Classification: Pathogenic for Familial apolipoprotein C-II deficiency. Last evaluated: 2022-01-11. Review status: criteria provided, single submitter. Criteria: ACMG Guidelines, 2015. Collection method: clinical testing. Allele origin: unknown.

Literature cited by the submitters: PubMed 1990844 (cited by Ambry Genetics); PubMed 22135386 (cited by Ambry Genetics); PubMed 31538826 (cited by Ambry Genetics); PubMed 31619059 (cited by Ambry Genetics); PubMed 32041611 (cited by Ambry Genetics); PubMed 36152419 (cited by Ambry Genetics).